The following is an entry in ClinVar:

ClinVar aggregate classification (germline): Uncertain significance (1 of 4 stars; one submission).

gnomAD v4.1: 7 of 1,614,154 alleles (0.00043%); highest among the groups gnomAD compares: East Asian, 0.016%; no homozygotes.

Submission:

Labcorp Genetics (formerly Invitae), Labcorp
Classification: Uncertain significance. Last evaluated: 2021-12-27. Review status: criteria provided, single submitter. Criteria: Invitae Variant Classification Sherloc (09022015). Collection method: clinical testing. Allele origin: germline.
Comment: This sequence change replaces valine, which is neutral and non-polar, with leucine, which is neutral and non-polar, at codon 590 of the PCDH12 protein (p.Val590Leu). This variant is present in population databases (no rsID available, gnomAD 0.01%). This variant has not been reported in the literature in individuals affected with PCDH12-related conditions. Advanced modeling of protein sequence and biophysical properties (such as structural, functional, and spatial information, amino acid conservation, physicochemical variation, residue mobility, and thermodynamic stability) performed at Invitae indicates that this missense variant is not expected to disrupt PCDH12 protein function. In summary, the available evidence is currently insufficient to determine the role of this variant in disease. Therefore, it has been classified as a Variant of Uncertain Significance.

NM_016580.4(PCDH12):c.1768G>T (p.Val590Leu)

Genes: PCDH12 (protocadherin 12; minus strand), RNF14 (ring finger protein 14; plus strand). Cytogenetic location: 5q31.3.
Variant type: single nucleotide variant.
Coding change: c.1768G>T on transcript NM_016580.4 (MANE Select); coding-DNA position 1768, G replaced by T.
Protein change: p.Val590Leu; replaces valine 590 with leucine.
Molecular consequence: missense variant.
Genome position (GRCh38, 1-based): chr5:141,956,084, C>A on the plus strand (G>T on the coding strand, the complement: PCDH12 is on the minus strand). VCF-style: chr5-141956084-C-A. GRCh37 (hg19) VCF-style: chr5-141335649-C-A.
Other names: short protein forms V590L.
Identifiers: ClinVar variation 1931845 (VCV001931845.2), dbSNP rs1279945163, ClinGen allele CA361582301.